The following is an entry in ClinVar:

NM_001267550.2(TTN):c.40675G>A (p.Val13559Ile)

Gene: TTN (titin; minus strand). Cytogenetic location: 2q31.2.
Variant type: single nucleotide variant.
Coding change: c.40675G>A on transcript NM_001267550.2 (MANE Select); coding-DNA position 40675, G replaced by A.
Protein change: p.Val13559Ile; replaces valine 13559 with isoleucine.
Molecular consequence: missense variant.
Genome position (GRCh38, 1-based): chr2:178,640,589, C>T on the plus strand (G>A on the coding strand, the complement: TTN is on the minus strand). VCF-style: chr2-178640589-C-T. GRCh37 (hg19) VCF-style: chr2-179505316-C-T.
Other names: c.13480G>A, p.Val4494Ile (NM_003319.4); c.32971G>A, p.Val10991Ile (NM_133378.4); c.13855G>A, p.Val4619Ile (NM_133432.3); c.14056G>A, p.Val4686Ile (NM_133437.4); c.35752G>A, p.Val11918Ile (NM_001256850.1); short protein forms V10991I, V11918I, V13559I, V4494I, V4619I, V4686I.
Identifiers: ClinVar variation 2578884 (VCV002578884.25), dbSNP rs374810937, ClinGen allele CA61009587.

ClinVar aggregate classification (germline): Uncertain significance (1 of 4 stars; one submission).

Allele frequency attached by ClinVar (database versions not stated): TOPMed below 0.00001; gnomAD 0.00001; gnomAD exomes 0.00003; ESP Exome Variant Server 0.00008.
gnomAD v4.1: 36 of 1,595,016 alleles (0.0023%); highest among the groups gnomAD compares: Non-Finnish European, 0.0031%; no homozygotes.

Submission:

CeGaT Center for Human Genetics Tuebingen
Classification: Uncertain significance. Last evaluated: 2023-07-01. Review status: criteria provided, single submitter. Criteria: CeGaT Center For Human Genetics Tuebingen Variant Classification Criteria Version 2. Collection method: clinical testing. Allele origin: germline. Affected: yes. Observed: 1 variant allele.
Comment: TTN: PM2, BP4